The following is an entry in ClinVar:

ClinVar aggregate classification (germline): Uncertain significance (1 of 4 stars; one submission).

Conditions:
MHC class II deficiency. Also called: BLS, TYPE II; Bare lymphocyte syndrome 2. Identifiers: Orphanet 572, MedGen C5447452, MONDO:0008855.

Allele frequency attached by ClinVar (database versions not stated): ExAC 0.00001; gnomAD exomes 0.00001; TOPMed 0.00001; gnomAD 0.00002; ESP Exome Variant Server 0.00008.

Submission:

Labcorp Genetics (formerly Invitae), Labcorp
Classification: Uncertain significance for MHC class II deficiency. Last evaluated: 2022-07-16. Review status: criteria provided, single submitter. Criteria: Invitae Variant Classification Sherloc (09022015). Collection method: clinical testing. Allele origin: germline.
Comment: This sequence change replaces alanine, which is neutral and non-polar, with threonine, which is neutral and polar, at codon 98 of the RFXANK protein (p.Ala98Thr). This variant is present in population databases (rs149659335, gnomAD 0.004%). This variant has not been reported in the literature in individuals affected with RFXANK-related conditions. ClinVar contains an entry for this variant (Variation ID: 845021). Algorithms developed to predict the effect of missense changes on protein structure and function are either unavailable or do not agree on the potential impact of this missense change (SIFT: "Deleterious"; PolyPhen-2: "Probably Damaging"; Align-GVGD: "Class C0"). In summary, the available evidence is currently insufficient to determine the role of this variant in disease. Therefore, it has been classified as a Variant of Uncertain Significance.

NM_003721.4(RFXANK):c.292G>A (p.Ala98Thr)

Gene: RFXANK (regulatory factor X associated ankyrin containing protein; plus strand). Cytogenetic location: 19p13.11.
Variant type: single nucleotide variant.
Coding change: c.292G>A on transcript NM_003721.4 (MANE Select); coding-DNA position 292, G replaced by A.
Protein change: p.Ala98Thr; replaces alanine 98 with threonine.
Molecular consequence: missense variant. On other transcripts: intron variant (4).
Genome position (GRCh38, 1-based): chr19:19,197,206, G>A. VCF-style: chr19-19197206-G-A. GRCh37 (hg19) VCF-style: chr19-19308015-G-A.
Other names: c.292G>A, p.Ala98Thr (NM_001370233.1, NM_001370238.1); c.289G>A, p.Ala97Thr (NM_001370235.1, NM_001370236.1, NM_001370237.1); c.271+160G>A (NM_001278727.2, NM_001370234.1); c.268+160G>A (NM_134440.3, NM_001278728.2); short protein forms A97T, A98T.
Identifiers: ClinVar variation 845021 (VCV000845021.8), dbSNP rs149659335, ClinGen allele CA9322674.